The following is an entry in ClinVar:

ClinVar aggregate classification (germline): Uncertain significance (1 of 4 stars; one submission).

Submission:

Labcorp Genetics (formerly Invitae), Labcorp
Classification: Uncertain significance. Last evaluated: 2023-03-24. Review status: criteria provided, single submitter. Criteria: Invitae Variant Classification Sherloc (09022015). Collection method: clinical testing. Allele origin: germline.
Comment: In summary, the available evidence is currently insufficient to determine the role of this variant in disease. Therefore, it has been classified as a Variant of Uncertain Significance. An algorithm developed to predict the effect of missense changes on protein structure and function (PolyPhen-2) suggests that this variant is likely to be tolerated. This variant has not been reported in the literature in individuals affected with A2ML1-related conditions. This variant is not present in population databases (gnomAD no frequency). This sequence change replaces glycine, which is neutral and non-polar, with glutamic acid, which is acidic and polar, at codon 1068 of the A2ML1 protein (p.Gly1068Glu).

NM_144670.6(A2ML1):c.3203G>A (p.Gly1068Glu)

Gene: A2ML1 (alpha-2-macroglobulin like 1; plus strand). Cytogenetic location: 12p13.31.
Variant type: single nucleotide variant.
Coding change: c.3203G>A on transcript NM_144670.6 (MANE Select); coding-DNA position 3203, G replaced by A.
Protein change: p.Gly1068Glu; replaces glycine 1068 with glutamic acid.
Molecular consequence: missense variant.
Genome position (GRCh38, 1-based): chr12:8,858,041, G>A. VCF-style: chr12-8858041-G-A. GRCh37 (hg19) VCF-style: chr12-9010637-G-A.
Other names: c.1730G>A, p.Gly577Glu (NM_001282424.3); short protein forms G577E, G1068E.
Identifiers: ClinVar variation 2895274 (VCV002895274.3), dbSNP rs1342193834, ClinGen allele CA383838559.